The following is an entry in ClinVar:

NM_015662.3(IFT172):c.1523G>A (p.Arg508His)

Gene: IFT172 (intraflagellar transport 172; minus strand). Cytogenetic location: 2p23.3.
Variant type: single nucleotide variant.
Coding change: c.1523G>A on transcript NM_015662.3 (MANE Select); coding-DNA position 1523, G replaced by A.
Protein change: p.Arg508His; replaces arginine 508 with histidine.
Molecular consequence: missense variant.
Genome position (GRCh38, 1-based): chr2:27,472,251, C>T on the plus strand (G>A on the coding strand, the complement: IFT172 is on the minus strand). VCF-style: chr2-27472251-C-T. GRCh37 (hg19) VCF-style: chr2-27695118-C-T.
Other names: short protein forms R508H.
Identifiers: ClinVar variation 849493 (VCV000849493.15), dbSNP rs144868723, ClinGen allele CA1580626.

ClinVar aggregate classification (germline): Conflicting classifications of pathogenicity. Review status: criteria provided, conflicting classifications (1 of 4 stars). 8 submissions from 8 submitters: Uncertain significance (6); Likely benign (1). 1 of the submissions does not count toward it. Last evaluated 2026-02-01.

Conditions:
IFT172-related disorder. Also called: IFT172-related disorders; IFT172-related condition.
Retinal dystrophy. Also called: Inherited retinal dystrophy. Identifiers: Orphanet 71862, MedGen C0854723, MeSH D058499, MONDO:0019118, HP:0000556.
Retinitis pigmentosa 71 (RP71). Identifiers: Orphanet 791, MedGen C4225342, MONDO:0014618, OMIM 616394.
Bardet-Biedl syndrome 20. Identifiers: MedGen C4310707, MONDO:0023670, OMIM 619471, MONDO:0014926.
Short-rib thoracic dysplasia 10 with or without polydactyly (SRTD10). Identifiers: Orphanet 474, MedGen C3810175, MONDO:0014284, OMIM 615630.

Allele frequency attached by ClinVar (database versions not stated): ExAC 0.00005; ESP Exome Variant Server 0.00015; gnomAD exomes 0.00016; gnomAD 0.00028 and 0.00030; TOPMed 0.00033.
gnomAD v4.1: 158 of 1,612,304 alleles (0.0098%); highest among the groups gnomAD compares: Admixed American, 0.1%; no homozygotes.

Submissions (8):

Labcorp Genetics (formerly Invitae), Labcorp
Classification: Likely benign for Retinitis pigmentosa 71; Short-rib thoracic dysplasia 10 with or without polydactyly. Last evaluated: 2026-02-01. Review status: criteria provided, single submitter. Criteria: Invitae Variant Classification Sherloc (09022015). Collection method: clinical testing. Allele origin: germline.

GeneDx
Classification: Uncertain significance. Last evaluated: 2026-01-22. Review status: criteria provided, single submitter. Criteria: GeneDx Variant Classification Process June 2021. Collection method: clinical testing. Allele origin: germline. Affected: yes.
Comment: In silico analysis supports that this missense variant has a deleterious effect on protein structure/function; Has not been previously published as pathogenic or benign to our knowledge

Fulgent Genetics
Classification: Uncertain significance for Short-rib thoracic dysplasia 10 with or without polydactyly; Retinitis pigmentosa 71; Bardet-Biedl syndrome 20. Last evaluated: 2024-04-22. Review status: criteria provided, single submitter. Criteria: ACMG Guidelines, 2015. Collection method: clinical testing. Allele origin: germline.

Blueprint Genetics
Classification: Uncertain significance. Last evaluated: 2024-01-16. Review status: criteria provided, single submitter. Criteria: ACMG Guidelines, 2015. Collection method: clinical testing. Allele origin: germline.

Dept Of Ophthalmology, Nagoya University
Classification: Uncertain significance for Retinal dystrophy. Last evaluated: 2023-10-01. Review status: criteria provided, single submitter. Criteria: Submitter's publication. Collection method: research. Allele origin: germline. Affected: yes.

New York Genome Center
Classification: Uncertain significance for Retinitis pigmentosa 71; Short-rib thoracic dysplasia 10 with or without polydactyly. Last evaluated: 2021-12-12. Review status: criteria provided, single submitter. Criteria: NYGC Assertion Criteria 2020. Collection method: clinical testing. Allele origin: germline. Observed: 1 heterozygote.

Breakthrough Genomics
Classification: Uncertain significance. Review status: criteria provided, single submitter. Criteria: ACMG Guidelines, 2015. Collection method: not provided. Allele origin: germline. Inheritance: Autosomal recessive inheritance. Affected: yes.

PreventionGenetics, part of Exact Sciences
Classification: Likely benign for IFT172-related condition. Last evaluated: 2022-02-03. Review status: no assertion criteria provided. Collection method: clinical testing. Allele origin: germline. Not counted in ClinVar's aggregate classification.
Comment: This variant is classified as likely benign based on ACMG/AMP sequence variant interpretation guidelines (Richards et al. 2015 PMID: 25741868, with internal and published modifications).